The following is an entry in ClinVar:

NM_000297.4(PKD2):c.2614C>T (p.Arg872Ter)

Gene: PKD2 (polycystin 2, transient receptor potential cation channel; plus strand). Cytogenetic location: 4q22.1.
Variant type: single nucleotide variant.
Coding change: c.2614C>T on transcript NM_000297.4 (MANE Select); coding-DNA position 2614, C replaced by T.
Protein change: p.Arg872Ter; replaces arginine 872 with a stop codon.
Molecular consequence: nonsense. On other transcripts: non-coding transcript variant (1).
Genome position (GRCh38, 1-based): chr4:88,074,903, C>T. VCF-style: chr4-88074903-C-T. GRCh37 (hg19) VCF-style: chr4-88996055-C-T.
Other names: short protein forms R872*.
Identifiers: ClinVar variation 448036 (VCV000448036.63), dbSNP rs755226061, ClinGen allele CA3004304.

ClinVar aggregate classification (germline): Pathogenic. Review status: criteria provided, multiple submitters, no conflicts (2 of 4 stars). 22 submissions from 22 submitters: Pathogenic (19). 3 of the submissions do not count toward it. Last evaluated 2026-05-15.

Conditions:
Cystic renal disease.
Polycystic kidney disease 2 (PKD2). Also called: Polycystic Kidney Disease 2, Autosomal Dominant; POLYCYSTIC KIDNEY DISEASE 2 WITH OR WITHOUT POLYCYSTIC LIVER DISEASE; POLYCYSTIC KIDNEY DISEASE, ADULT, TYPE II. Identifiers: MedGen C2751306, MONDO:0013131, OMIM 613095.
Inborn genetic diseases. Identifiers: MedGen C0950123, MeSH D030342.
PKD2-related disorder. Also called: PKD2-related condition.
Autosomal dominant polycystic kidney disease. Identifiers: Orphanet 730, MedGen C0085413, MONDO:0004691.
Polycystic kidney disease. Also called: Kidney, Polycystic; Polycystic kidney dysplasia. Identifiers: MedGen C0022680, MeSH D007690, MONDO:0020642, HP:0000113.

Allele frequency attached by ClinVar (database versions not stated): TOPMed 0.00001.
gnomAD v4.1: 10 of 1,613,922 alleles (0.00062%); highest among the groups gnomAD compares: Non-Finnish European, 0.00085%; no homozygotes.

Submissions 1 to 12 of 22:

Victorian Clinical Genetics Services, Murdoch Childrens Research Institute
Classification: Pathogenic for Polycystic kidney disease 2. Last evaluated: 2026-05-15. Review status: criteria provided, single submitter. Criteria: ACMG Guidelines, 2015. Collection method: clinical testing. Allele origin: germline. Affected: yes.
Comment: This variant is classified as Pathogenic. Evidence in support of pathogenic classification: Variant is predicted to cause nonsense-mediated decay (NMD) and loss of protein (premature termination codon is located at least 54 nucleotides upstream of the final exon-exon junction). This variant has also been shown to have an alternative outcome that results in the introduction of a cryptic donor site within exon 14, leading to a frameshift and the creation of a downstream protein truncation (PMID: 10541293). This alternative protein is expected to escape nonsense-mediated decay; Variant is present in gnomAD <0.001 for a dominant condition (v4: 10 heterozygote(s), 0 homozygote(s)); This variant has strong previous evidence of pathogenicity in unrelated individuals. This variant has been classified as pathogenic by clinical laboratories in ClinVar, and reported in the literature in individuals with PKD (PMID: 29338003). It has also been reported as the most common pathogenic variant in the PKD2 gene. Additional information: This variant is heterozygous; This gene is associated with autosomal dominant disease; Loss of function is a known mechanism of disease in this gene and is associated with polycystic kidney disease 2 (MIM#613095); Inheritance information for this variant is not currently available in this individual.

PreventionGenetics, part of Exact Sciences
Classification: Pathogenic for PKD2-related condition. Last evaluated: 2026-03-25. Review status: criteria provided, single submitter. Criteria: ACMG Guidelines, 2015. Collection method: clinical testing. Allele origin: germline.
Comment: The PKD2 c.2614C>T variant is predicted to result in premature protein termination (p.Arg872*). This variant has been reported to be pathogenic for autosomal dominant polycystic kidney disease (ADPKD) (see for example, Cai et al. 1999. PubMed ID: 10497221; Rossetti et al. 2007. PubMed ID: 17582161; Audrézet et al. 2012. PubMed ID: 22508176). This variant is reported in 0.00088% of alleles in individuals of European (Non-Finnish) descent in gnomAD. Nonsense variants in PKD2 are expected to be pathogenic. This variant is interpreted as pathogenic.

Genetics Laboratory, Great Ormond Street Hospital NHS Foundation Trust, North Thames Genomic Laboratory Hub
Classification: Pathogenic for Cystic renal disease. Last evaluated: 2026-01-25. Review status: criteria provided, single submitter. Criteria: ACGS Best Practice Guidelines for Variant Classification in Rare Disease 2024 v1.2. Collection method: clinical testing. Allele origin: germline. Affected: yes.
Comment: PS4_moderate, PM2_moderate, PVS1_very-strong

CeGaT Center for Human Genetics Tuebingen
Classification: Pathogenic. Last evaluated: 2026-01-01. Review status: criteria provided, single submitter. Criteria: CeGaT Center For Human Genetics Tuebingen Variant Classification Criteria Version 2. Collection method: clinical testing. Allele origin: germline. Affected: yes. Observed: 5 variant alleles.
Comment: PKD2: PVS1:Strong, PM2, PS3:Moderate, PS4:Moderate, PP4

Mayo Clinic Laboratories, Mayo Clinic
Classification: Pathogenic. Last evaluated: 2025-10-16. Review status: criteria provided, single submitter. Criteria: ACMG Guidelines, 2015. Collection method: clinical testing. Allele origin: germline. Observed: 1 variant allele.
Comment: PM2_supporting, PS3_moderate, PS4, PVS1

Labcorp Genetics (formerly Invitae), Labcorp
Classification: Pathogenic for Autosomal dominant polycystic kidney disease. Last evaluated: 2025-09-06. Review status: criteria provided, single submitter. Criteria: Invitae Variant Classification Sherloc (09022015). Collection method: clinical testing. Allele origin: germline.
Comment: This sequence change creates a premature translational stop signal (p.Arg872*) in the PKD2 gene. It is expected to result in an absent or disrupted protein product. Loss-of-function variants in PKD2 are known to be pathogenic (PMID: 17582161, 22863349). The frequency data for this variant in the population databases is considered unreliable, as metrics indicate poor data quality at this position in the gnomAD database. This premature translational stop signal has been observed in individual(s) with autosomal dominant polycystic kidney disease (PMID: 22508176). ClinVar contains an entry for this variant (Variation ID: 448036). Algorithms developed to predict the effect of sequence changes on RNA splicing suggest that this variant may disrupt the consensus splice site. For these reasons, this variant has been classified as Pathogenic.

3billion
Classification: Pathogenic for Polycystic kidney disease 2. Last evaluated: 2024-10-31. Review status: criteria provided, single submitter. Criteria: ACMG Guidelines, 2015. Collection method: clinical testing. Allele origin: germline. Affected: yes.
Comment: The variant is observed at an extremely low frequency in the gnomAD v4.1.0 dataset (total allele frequency: <0.001%). Predicted Consequence/Location: Stop-gained (nonsense): predicted to result in a loss or disruption of normal protein function through nonsense-mediated decay (NMD) or protein truncation. Multiple pathogenic variants are reported downstream of the variant. In silico tools predict the variant to alter splicing and produce an abnormal transcript [SpliceAI: 0.85 (spliceogenicity >=0.2, non-spliceogenicity <0.1)]. The variant has been reported at least twice as pathogenic with clinical assertions and evidence for the classification (ClinVar ID: VCV000448036 /PMID: 10541293). Therefore, this variant is classified as Pathogenic according to the recommendation of ACMG/AMP guideline.

Blueprint Genetics
Classification: Pathogenic for PKD2-related disorders. Last evaluated: 2024-10-01. Review status: criteria provided, single submitter. Criteria: ACMG Guidelines, 2015. Collection method: clinical testing. Allele origin: germline. Affected: yes. Observed: 5 variant alleles.

Ambry Genetics
Classification: Pathogenic for Inborn genetic diseases. Last evaluated: 2024-04-11. Review status: criteria provided, single submitter. Criteria: Ambry Variant Classification Scheme 2023. Collection method: clinical testing. Allele origin: germline.
Comment: The c.2614C>T (p.R872*) alteration, located in exon 14 (coding exon 14) of the PKD2 gene, consists of a C to T substitution at nucleotide position 2614. This changes the amino acid from an arginine (R) to a stop codon at amino acid position 872. This alteration is expected to result in loss of function by premature protein truncation or nonsense-mediated mRNA decay. Based on data from gnomAD, the T allele has an overall frequency of <0.001% (1/251096) total alleles studied. The highest observed frequency was 0.001% (1/113410) of European (non-Finnish) alleles. This alteration has been reported in multiple individuals with polycystic kidney disease (Reynolds, 1999; Magistroni, 2003; Garcia-Gonzalez, 2007; Rossetti, 2007; Audr&eacute;zet, 2012; Solazzo, 2018; Magistroni, 2019). This nucleotide position is not well conserved in available vertebrate species. RNA studies have demonstrated that this alteration results in abnormal splicing (Reynolds, 1999). Additionally, T lymphocytes from patients with this alteration showed a reduction of ATP-evoked calcium (Magistroni, 2019). In silico splice site analysis predicts that this alteration will result in the creation or strengthening of a novel splice donor site. Based on the available evidence, this alteration is classified as pathogenic.

Fulgent Genetics
Classification: Pathogenic for Polycystic kidney disease 2. Last evaluated: 2024-03-06. Review status: criteria provided, single submitter. Criteria: ACMG Guidelines, 2015. Collection method: clinical testing. Allele origin: germline.

Women's Health and Genetics/Laboratory Corporation of America, LabCorp
Classification: Pathogenic for Polycystic kidney disease 2. Last evaluated: 2023-05-26. Review status: criteria provided, single submitter. Criteria: LabCorp Variant Classification Summary - May 2015. Collection method: clinical testing. Allele origin: germline.
Comment: Variant summary: PKD2 c.2614C>T (p.Arg872X) results in a premature termination codon, predicted to cause a truncation of the encoded protein or absence of the protein due to nonsense mediated decay, which are commonly known mechanisms for disease. The variant allele was found at a frequency of 4e-06 in 251096 control chromosomes in gnomAD. c.2614C>T has been reported in numerous literature in individuals affected with Polycystic Kidney Disease 2 (example: Benson_2021). These data indicate that the variant is very likely to be associated with disease. At least one publication reports experimental evidence evaluating an impact on protein function, which suggests p.Arg872X PKD2 may be subject to endoplasmic reticulum-associated degradation (Liang_2008). The following publications have been ascertained in the context of this evaluation (PMID: 33454723, 18178578, 16223735). 11 clinical diagnostic laboratories have submitted clinical-significance assessments for this variant to ClinVar after 2014 and all laboratories classified the variant as pathogenic. Based on the evidence outlined above, the variant was classified as pathogenic.

Clinical Genetics Laboratory, Skane University Hospital Lund
Classification: Pathogenic. Last evaluated: 2022-07-13. Review status: criteria provided, single submitter. Criteria: ACMG Guidelines, 2015. Collection method: clinical testing. Allele origin: germline. Affected: yes.